The following is an entry in ClinVar:

ClinVar aggregate classification (germline): Uncertain significance. Review status: criteria provided, multiple submitters, no conflicts (2 of 4 stars). 3 submissions from 3 submitters: Uncertain significance (3). Last evaluated 2025-08-05.

Conditions:
Pulmonary fibrosis and/or bone marrow failure, Telomere-related, 3. Also called: PULMONARY FIBROSIS AND/OR BONE MARROW FAILURE SYNDROME, TELOMERE-RELATED, 3. Identifiers: Orphanet 2032, MedGen C4225346, MONDO:0014613, OMIM 616373.
Dyskeratosis congenita, autosomal recessive 5 (DKCB5). Identifiers: MedGen C3554656, MONDO:0014076, OMIM 615190.
Inborn genetic diseases. Identifiers: MedGen C0950123, MeSH D030342.

Allele frequency attached by ClinVar (database versions not stated): gnomAD exomes below 0.00001; TOPMed 0.00001; ExAC 0.00001.
gnomAD v4.1: 2 of 1,612,208 alleles (0.00012%); highest among the groups gnomAD compares: Non-Finnish European, 0.00017%; no homozygotes.

Submissions (3):

Labcorp Genetics (formerly Invitae), Labcorp
Classification: Uncertain significance for Dyskeratosis congenita, autosomal recessive 5; Pulmonary fibrosis and/or bone marrow failure, Telomere-related, 3. Last evaluated: 2025-08-05. Review status: criteria provided, single submitter. Criteria: Invitae Variant Classification Sherloc (09022015). Collection method: clinical testing. Allele origin: germline.
Comment: This sequence change replaces tyrosine, which is neutral and polar, with histidine, which is basic and polar, at codon 953 of the RTEL1 protein (p.Tyr953His). This variant is present in population databases (rs773244715, gnomAD 0.0009%). This variant has not been reported in the literature in individuals affected with RTEL1-related conditions. ClinVar contains an entry for this variant (Variation ID: 2925955). An algorithm developed to predict the effect of missense changes on protein structure and function outputs the following: PolyPhen-2: "Benign". The histidine amino acid residue is found in multiple mammalian species, which suggests that this missense change does not adversely affect protein function. In summary, the available evidence is currently insufficient to determine the role of this variant in disease. Therefore, it has been classified as a Variant of Uncertain Significance.

Ambry Genetics
Classification: Uncertain significance for Inborn genetic diseases. Last evaluated: 2024-11-22. Review status: criteria provided, single submitter. Criteria: Ambry Variant Classification Scheme 2023. Collection method: clinical testing. Allele origin: germline.
Comment: The p.Y953H variant (also known as c.2857T>C), located in coding exon 29 of the RTEL1 gene, results from a T to C substitution at nucleotide position 2857. The tyrosine at codon 953 is replaced by histidine, an amino acid with similar properties. This amino acid position is conserved. In addition, this alteration is predicted to be tolerated by in silico analysis. Based on the available evidence, the clinical significance of this variant remains unclear.

Fulgent Genetics
Classification: Uncertain significance for Dyskeratosis congenita, autosomal recessive 5; Pulmonary fibrosis and/or bone marrow failure, Telomere-related, 3. Last evaluated: 2024-04-16. Review status: criteria provided, single submitter. Criteria: ACMG Guidelines, 2015. Collection method: clinical testing. Allele origin: germline.

NM_001283009.2(RTEL1):c.2857T>C (p.Tyr953His)

Genes: RTEL1 (regulator of telomere elongation helicase 1; plus strand), RTEL1-TNFRSF6B (RTEL1-TNFRSF6B readthrough (NMD candidate); plus strand). Cytogenetic location: 20q13.33.
Variant type: single nucleotide variant.
Coding change: c.2857T>C on transcript NM_001283009.2 (MANE Select); coding-DNA position 2857, T replaced by C.
Protein change: p.Tyr953His; replaces tyrosine 953 with histidine.
Molecular consequence: missense variant. On other transcripts: non-coding transcript variant (1).
Genome position (GRCh38, 1-based): chr20:63,693,148, T>C. VCF-style: chr20-63693148-T-C. GRCh37 (hg19) VCF-style: chr20-62324501-T-C.
Other names: c.2188T>C, p.Tyr730His (NM_001283010.1); c.2857T>C, p.Tyr953His (NM_016434.4); c.2929T>C, p.Tyr977His (NM_032957.5); short protein forms Y730H, Y953H, Y977H.
Identifiers: ClinVar variation 2925955 (VCV002925955.5), dbSNP rs773244715, ClinGen allele CA9965634.
Genomic context (GRCh38, chr20:63,693,148, plus strand): 5'-CTCTGTTCTCTAGAGAAAAAGGGGCAGATGGGGACAGACGCCCCTTCCTCTACAGGCTTC[T>C]ACCAGTTTGTGCGGCCCCACCATAAGCAGCAGTTTGAGGAGGTCTGTATCCAGCTGACAG-3'
Protein context (NP_001269938.1, residues 943-963): PKKHNLLQGF[Tyr953His]QFVRPHHKQQ